The following is an entry in ClinVar:

NM_001999.4(FBN2):c.1360G>A (p.Gly454Arg)

Gene: FBN2 (fibrillin 2; minus strand). Cytogenetic location: 5q23.3.
Variant type: single nucleotide variant.
Coding change: c.1360G>A on transcript NM_001999.4 (MANE Select); coding-DNA position 1360, G replaced by A.
Protein change: p.Gly454Arg; replaces glycine 454 with arginine.
Molecular consequence: missense variant.
Genome position (GRCh38, 1-based): chr5:128,393,240, C>T on the plus strand (G>A on the coding strand, the complement: FBN2 is on the minus strand). VCF-style: chr5-128393240-C-T. GRCh37 (hg19) VCF-style: chr5-127728933-C-T.
Other names: short protein forms G454R.
Identifiers: ClinVar variation 4741585 (VCV004741585.1).

ClinVar aggregate classification (germline): Uncertain significance (1 of 4 stars; one submission).

Conditions:
Congenital contractural arachnodactyly (CCA). Also called: BEALS SYNDROME; Arthrogryposis, distal, type 9; Beals-Hecht syndrome. Identifiers: Orphanet 115, MedGen C0220668, MONDO:0007363, OMIM 121050.

gnomAD v4.1: 1 of 1,614,182 alleles (0.000062%); highest among the groups gnomAD compares: Non-Finnish European, 0.000085%; no homozygotes.

Submission:

Labcorp Genetics (formerly Invitae), Labcorp
Classification: Uncertain significance for Congenital contractural arachnodactyly. Last evaluated: 2025-09-12. Review status: criteria provided, single submitter. Criteria: Invitae Variant Classification Sherloc (09022015). Collection method: clinical testing. Allele origin: germline.
Comment: This sequence change replaces glycine, which is neutral and non-polar, with arginine, which is basic and polar, at codon 454 of the FBN2 protein (p.Gly454Arg). This variant is not present in population databases (gnomAD no frequency). This variant has not been reported in the literature in individuals affected with FBN2-related conditions. Invitae Evidence Modeling of protein sequence and biophysical properties (such as structural, functional, and spatial information, amino acid conservation, physicochemical variation, residue mobility, and thermodynamic stability) indicates that this missense variant is not expected to disrupt FBN2 protein function with a negative predictive value of 80%. In summary, the available evidence is currently insufficient to determine the role of this variant in disease. Therefore, it has been classified as a Variant of Uncertain Significance.